The following is an entry in ClinVar:

NM_001257359.2(SAMD14):c.432C>T (p.Ser144=)

Genes: SAMD14 (sterile alpha motif domain containing 14; minus strand), LOC130061143 (ATAC-STARR-seq lymphoblastoid silent region 8680; plus strand). Cytogenetic location: 17q21.33.
Variant type: single nucleotide variant.
Coding change: c.432C>T on transcript NM_001257359.2 (MANE Select); coding-DNA position 432, C replaced by T.
Protein change: p.Ser144=; no amino-acid change (serine 144 retained).
Molecular consequence: synonymous variant.
Genome position (GRCh38, 1-based): chr17:50,117,474, G>A on the plus strand (C>T on the coding strand, the complement: SAMD14 is on the minus strand). VCF-style: chr17-50117474-G-A. GRCh37 (hg19) VCF-style: chr17-48194838-G-A.
Other names: c.432C>T, p.Ser144= (NM_174920.4).
Identifiers: ClinVar variation 3045798 (VCV003045798.2), dbSNP rs746232188, ClinGen allele CA8642989.

ClinVar aggregate classification (germline): Likely benign (0 of 4 stars; one submission).

Conditions:
SAMD14-related disorder. Also called: SAMD14-related condition.

Allele frequency attached by ClinVar (database versions not stated): ExAC 0.00111.
gnomAD v4.1: 120 of 1,401,902 alleles (0.0086%); highest among the groups gnomAD compares: South Asian, 0.16%; no homozygotes.

Submission:

PreventionGenetics, part of Exact Sciences
Classification: Likely benign for SAMD14-related condition. Last evaluated: 2023-06-01. Review status: no assertion criteria provided. Collection method: clinical testing. Allele origin: germline.
Comment: This variant is classified as likely benign based on ACMG/AMP sequence variant interpretation guidelines (Richards et al. 2015 PMID: 25741868, with internal and published modifications).